The following is an entry in ClinVar:

NM_017435.5(SLCO1C1):c.1408C>T (p.Arg470Ter)

Gene: SLCO1C1 (solute carrier organic anion transporter family member 1C1; plus strand). Cytogenetic location: 12p12.2.
Variant type: single nucleotide variant.
Coding change: c.1408C>T on transcript NM_017435.5 (MANE Select); coding-DNA position 1408, C replaced by T.
Protein change: p.Arg470Ter; replaces arginine 470 with a stop codon.
Molecular consequence: nonsense.
Genome position (GRCh38, 1-based): chr12:20,737,132, C>T. VCF-style: chr12-20737132-C-T. GRCh37 (hg19) VCF-style: chr12-20890066-C-T.
Other names: c.1054C>T, p.Arg352Ter (NM_001145944.2); c.1261C>T, p.Arg421Ter (NM_001145945.2); c.1408C>T, p.Arg470Ter (NM_001145946.2); short protein forms R352*, R421*, R470*.
Identifiers: ClinVar variation 4851822 (VCV004851822.1).

ClinVar aggregate classification (germline): Uncertain significance (1 of 4 stars; one submission).

gnomAD v4.1: 40 of 1,534,138 alleles (0.0026%); highest among the groups gnomAD compares: Admixed American, 0.014%; no homozygotes.

Submission:

Dasa
Classification: Uncertain significance. Last evaluated: 2026-02-12. Review status: criteria provided, single submitter. Criteria: DASA Assertion Criteria. Collection method: clinical testing. Allele origin: germline.
Comment: NM_017435.5(SLCO1C1):c.1408C>T (p.Arg470*) introduces a premature termination codon predicted to result in loss of normal protein function. Loss-of-function is an established mechanism of disease for this gene. The variant is present at low frequency in population datasets. Based on the available data, this variant is classified as variant of uncertain significance.